The following is an entry in ClinVar:

ClinVar aggregate classification (germline): Uncertain significance (1 of 4 stars; one submission).

Conditions:
Spastic paraplegia. Identifiers: MedGen C0037772, HP:0001258.

Allele frequency attached by ClinVar (database versions not stated): gnomAD exomes below 0.00001.
gnomAD v4.1: 5 of 1,613,824 alleles (0.00031%); highest among the groups gnomAD compares: East Asian, 0.0022%; no homozygotes.

Submission:

Labcorp Genetics (formerly Invitae), Labcorp
Classification: Uncertain significance for Spastic paraplegia. Last evaluated: 2021-06-28. Review status: criteria provided, single submitter. Criteria: Invitae Variant Classification Sherloc (09022015). Collection method: clinical testing. Allele origin: germline.
Comment: In summary, the available evidence is currently insufficient to determine the role of this variant in disease. Therefore, it has been classified as a Variant of Uncertain Significance. Algorithms developed to predict the effect of missense changes on protein structure and function (SIFT, PolyPhen-2, Align-GVGD) all suggest that this variant is likely to be disruptive. This variant has not been reported in the literature in individuals affected with KIF5A-related conditions. This variant is not present in population databases (ExAC no frequency). This sequence change replaces arginine with cysteine at codon 849 of the KIF5A protein (p.Arg849Cys). The arginine residue is highly conserved and there is a large physicochemical difference between arginine and cysteine.

NM_004984.4(KIF5A):c.2545C>T (p.Arg849Cys)

Gene: KIF5A (kinesin family member 5A; plus strand). Cytogenetic location: 12q13.3.
Variant type: single nucleotide variant.
Coding change: c.2545C>T on transcript NM_004984.4 (MANE Select); coding-DNA position 2545, C replaced by T.
Protein change: p.Arg849Cys; replaces arginine 849 with cysteine.
Molecular consequence: missense variant.
Genome position (GRCh38, 1-based): chr12:57,580,962, C>T. VCF-style: chr12-57580962-C-T. GRCh37 (hg19) VCF-style: chr12-57974745-C-T.
Other names: c.2278C>T, p.Arg760Cys (NM_001354705.2); short protein forms R849C, R760C.
Identifiers: ClinVar variation 1357081 (VCV001357081.8), dbSNP rs2140171409, ClinGen allele CA385514895.